The following is an entry in ClinVar:

NM_000222.3(KIT):c.1829G>C (p.Gly610Ala)

Gene: KIT (KIT proto-oncogene, receptor tyrosine kinase; plus strand). Cytogenetic location: 4q12.
Variant type: single nucleotide variant.
Coding change: c.1829G>C on transcript NM_000222.3 (MANE Select); coding-DNA position 1829, G replaced by C.
Protein change: p.Gly610Ala; replaces glycine 610 with alanine.
Molecular consequence: missense variant.
Genome position (GRCh38, 1-based): chr4:54,727,877, G>C. VCF-style: chr4-54727877-G-C. GRCh37 (hg19) VCF-style: chr4-55594043-G-C.
Other names: c.1817G>C, p.Gly606Ala (NM_001093772.2, NM_001385286.1); c.1832G>C, p.Gly611Ala (NM_001385284.1, NM_001385290.1); c.1829G>C, p.Gly610Ala (NM_001385285.1); c.1820G>C, p.Gly607Ala (NM_001385288.1, NM_001385292.1); short protein forms G606A, G607A, G610A, G611A.
Identifiers: ClinVar variation 4681061 (VCV004681061.1).
Genomic context (GRCh38, chr4:54,727,877, plus strand): 5'-CTACAGGGAAAACCCTGGGTGCTGGAGCTTTCGGGAAGGTTGTTGAGGCAACTGCTTATG[G>C]CTTAATTAAGTCAGATGCGGCCATGACTGTCGCTGTAAAGATGCTCAAGCGTAAGTTCCT-3'
Protein context (NP_000213.1, residues 600-620): FGKVVEATAY[Gly610Ala]LIKSDAAMTV

ClinVar aggregate classification (germline): Uncertain significance (1 of 4 stars; one submission).

Submission:

GeneDx
Classification: Uncertain significance. Last evaluated: 2025-06-30. Review status: criteria provided, single submitter. Criteria: GeneDx Variant Classification Process June 2021. Collection method: clinical testing. Allele origin: germline. Affected: yes.
Comment: Not observed at significant frequency in large population cohorts (gnomAD); In silico analysis supports that this missense variant has a deleterious effect on protein structure/function; Has not been previously published as pathogenic or benign to our knowledge